The following is an entry in ClinVar:

ClinVar aggregate classification (germline): Likely benign (0 of 4 stars; one submission).

Conditions:
ROBO2-related disorder. Also called: ROBO2-related condition.

Submission:

PreventionGenetics, part of Exact Sciences
Classification: Likely benign for ROBO2-related condition. Last evaluated: 2021-03-23. Review status: no assertion criteria provided. Collection method: clinical testing. Allele origin: germline.
Comment: This variant is classified as likely benign based on ACMG/AMP sequence variant interpretation guidelines (Richards et al. 2015 PMID: 25741868, with internal and published modifications).

NM_001395656.1(ROBO2):c.450A>G (p.Ala150=)

Gene: ROBO2 (roundabout guidance receptor 2; plus strand). Cytogenetic location: 3p12.3.
Variant type: single nucleotide variant.
Coding change: c.450A>G on transcript NM_001395656.1 (MANE Select); coding-DNA position 450, A replaced by G.
Protein change: p.Ala150=; no amino-acid change (alanine 150 retained).
Molecular consequence: synonymous variant. On other transcripts: 5 prime UTR variant (1).
Genome position (GRCh38, 1-based): chr3:77,477,475, A>G. VCF-style: chr3-77477475-A-G. GRCh37 (hg19) VCF-style: chr3-77526626-A-G.
Other names: c.498A>G, p.Ala166= (NM_001128929.3, NM_001378190.1, NM_001378191.1 and 5 more transcripts); c.450A>G, p.Ala150= (NM_001290039.2, NM_001290040.2, NM_001378193.1 and 3 more transcripts); c.-1469A>G (NM_001290065.2); c.519A>G, p.Ala173= (NM_001378192.1, NM_001378194.1, NM_001378198.1 and 5 more transcripts).
Identifiers: ClinVar variation 3030436 (VCV003030436.2), dbSNP rs2548251017, ClinGen allele CA434444680.
Genomic context (GRCh38, chr3:77,477,475, plus strand): 5'-GTTACGAGATGACTTCCGACAAAACCCCACAGATGTTGTAGTGGCAGCTGGAGAGCCTGC[A>G]ATCCTGGAGTGCCAGCCTCCCCGGGGACACCCAGAACCCACCATCTACTGGAAAAAAGAC-3'
Protein context (NP_001382585.1, residues 140-160): TDVVVAAGEP[Ala150=]ILECQPPRGH